The following is an entry in ClinVar:

NM_000059.4(BRCA2):c.6757_6758del (p.Leu2253fs)

Gene: BRCA2 (BRCA2 DNA repair associated; plus strand). Cytogenetic location: 13q13.1.
Variant type: Microsatellite.
Coding change: c.6757_6758del on transcript NM_000059.4 (MANE Select); coding-DNA positions 6757 to 6758, 2 bases deleted (CT; older notation c.6757_6758delCT).
Protein change: p.Leu2253fs; shifts the reading frame from leucine 2253.
Molecular consequence: frameshift variant.
Genome position (GRCh38, 1-based): chr13:32,341,112-32,341,113, CT deleted; deleting any 2 consecutive bases within chr13:32,341,109-32,341,113 gives the same sequence; the c. name uses the placement nearest the transcript's 3' end. VCF-style (leftmost placement, unchanged base first): chr13-32341108-TTC-T. GRCh37 (hg19) VCF-style: chr13-32915245-TTC-T.
Other names: 6985delCT; c.6757_6758delCT (NM_000059.3); short protein forms L2253fs.
Identifiers: ClinVar variation 52177 (VCV000052177.43), dbSNP rs80359623, ClinGen allele CA024379.

ClinVar aggregate classification (germline): Pathogenic. Review status: reviewed by expert panel (3 of 4 stars). 16 submissions from 16 submitters: Pathogenic (1). 15 of the submissions do not count toward it. Last evaluated 2016-09-08.

Conditions:
BRCA2-related cancer predisposition. Identifiers: MedGen CN377758, MONDO:0700269.
Hereditary cancer-predisposing syndrome. Also called: Neoplastic Syndromes, Hereditary; Hereditary neoplastic syndrome; Hereditary Cancer Syndrome; Tumor predisposition. Identifiers: Orphanet 140162, MedGen C0027672, MeSH D009386, MONDO:0015356.
Hereditary breast ovarian cancer syndrome. Also called: BRCA1- and BRCA2-Associated Hereditary Breast and Ovarian Cancer; Hereditary breast and ovarian cancer syndrome (HBOC); Hereditary breast and ovarian cancer syndrome; Hereditary breast and/or ovarian cancer syndrome; Breast and ovarian cancer; Hereditary breast and ovarian cancer. Identifiers: Orphanet 145, MedGen C0677776, MeSH D061325, MONDO:0003582. Disease mechanism: loss of function.
Breast-ovarian cancer, familial, susceptibility to, 2 (BROVCA2). Also called: BRCA2 Hereditary Breast and Ovarian Cancer. Identifiers: Orphanet 145, MedGen C2675520, MONDO:0012933, OMIM 612555. Disease mechanism: loss of function.
Familial cancer of breast. Also called: hereditary breast carcinoma; Hereditary breast cancer; BREAST CANCER, FAMILIAL. Identifiers: Orphanet 227535, MedGen C0346153, MONDO:0016419, OMIM 114480. Disease mechanism: loss of function.

Submissions 1 to 10 of 16:

Evidence-based Network for the Interpretation of Germline Mutant Alleles (ENIGMA)
Classification: Pathogenic for Breast-ovarian cancer, familial, susceptibility to, 2. Last evaluated: 2016-09-08. Review status: reviewed by expert panel. Criteria: ENIGMA BRCA1/2 Classification Criteria (2015). Collection method: curation. Allele origin: germline.
Comment: Variant allele predicted to encode a truncated non-functional protein.

Ambry Genetics
Classification: Pathogenic for Hereditary cancer-predisposing syndrome. Last evaluated: 2026-09-14. Review status: criteria provided, single submitter. Criteria: Ambry Variant Classification Scheme 2023. Collection method: clinical testing. Allele origin: germline. Not counted in ClinVar's aggregate classification.
Comment: The c.6757_6758delCT (p.L2253Ffs*7) alteration, located in exon 11 (coding exon 10) of the BRCA2 gene, consists of a deletion of 2 nucleotides from position 6757 to 6758, causing a translational frameshift with a predicted alternate stop codon after 7 amino acids. This variant is expected to result in loss of function by premature protein truncation or nonsense-mediated mRNA decay. Based on data from gnomAD, this allele has an overall frequency of <0.001% (1/251352) total alleles studied. The highest observed frequency was 0.001% (1/113678) of European (non-Finnish) alleles. This alteration was also identified in 1/692 men with metastatic prostate cancer who were unselected for family history of cancer or age at diagnosis (Pritchard, 2016). This mutation occurs in a region of the BRCA2 gene known as the "ovarian cancer cluster region (OCCR)." Mutations in this region are associated with a significantly higher ratio of ovarian to breast cancer in female carriers than female carriers of mutations in other regions of the gene (p<0.0001) (Rebbeck, 2015). Based on the available evidence, this alteration is classified as pathogenic.

Color Diagnostics, LLC DBA Color Health
Classification: Pathogenic for Hereditary cancer-predisposing syndrome. Last evaluated: 2025-11-10. Review status: criteria provided, single submitter. Criteria: ACMG Guidelines, 2015. Collection method: clinical testing. Allele origin: germline. Not counted in ClinVar's aggregate classification.
Comment: This variant deletes 2 nucleotides in exon 11 of the BRCA2 gene, creating a frameshift and premature translation stop signal. This variant is expected to result in an absent or non-functional protein product. This variant has been reported in individuals affected with breast, ovarian and prostate cancer (PMID: 11606101, 27433846, 29337092, 34717758). Multifactorial analysis reached a combined likelihood ratio (LR) of 199.175 based on case-control data and personal and family history for 3 carriers. This variant has been identified in 6 families among the CIMBA participants (PMID: 29446198). This variant has been identified in 14/1613970 chromosomes in the general population by the Genome Aggregation Database (gnomAD). Loss of BRCA2 function is a known mechanism of disease. Based on the available evidence, this variant is classified as Pathogenic.

Labcorp Genetics (formerly Invitae), Labcorp
Classification: Pathogenic for Hereditary breast ovarian cancer syndrome. Last evaluated: 2025-11-02. Review status: criteria provided, single submitter. Criteria: Invitae Variant Classification Sherloc (09022015). Collection method: clinical testing. Allele origin: germline. Not counted in ClinVar's aggregate classification.
Comment: This sequence change creates a premature translational stop signal (p.Leu2253Phefs*7) in the BRCA2 gene. It is expected to result in an absent or disrupted protein product. Loss-of-function variants in BRCA2 are known to be pathogenic (PMID: 20104584). This variant is present in population databases (rs80359623, gnomAD 0.0009%). This premature translational stop signal has been observed in individual(s) with breast and ovarian cancer (PMID: 11606101). ClinVar contains an entry for this variant (Variation ID: 52177). For these reasons, this variant has been classified as Pathogenic.

Quest Diagnostics Nichols Institute San Juan Capistrano
Classification: Pathogenic. Last evaluated: 2024-11-06. Review status: criteria provided, single submitter. Criteria: Quest Diagnostics criteria. Collection method: clinical testing. Allele origin: unknown. Not counted in ClinVar's aggregate classification.
Comment: The BRCA2 c.6757_6758del (p.Leu2253Phefs*7) variant alters the translational reading frame of the BRCA2 mRNA and causes the premature termination of BRCA2 protein synthesis. This variant has been reported in the published literature in individuals with breast and/or ovarian cancer (PMID: 34717758 (2021), 29337092 (2018), 11606101 (2001)), and an individual with prostate cancer (PMID: 27433846 (2016)). The frequency of this variant in the general population, 0.000004 (1/251352 chromosomes (Genome Aggregation Database)), is consistent with pathogenicity. Based on the available information, this variant is classified as pathogenic.

All of Us Research Program, National Institutes of Health
Classification: Pathogenic for BRCA2-related cancer predisposition. Last evaluated: 2024-03-24. Review status: criteria provided, single submitter. Criteria: ACMG Guidelines, 2015. Collection method: clinical testing. Allele origin: germline. Inheritance: Autosomal dominant inheritance. Observed: 1 variant allele, 1 heterozygote. Not counted in ClinVar's aggregate classification.
Comment: This variant deletes 2 nucleotides in exon 11 of the BRCA2 gene, creating a frameshift and premature translation stop signal. This variant is expected to result in an absent or non-functional protein product. This variant has been reported in individuals affected with prostate cancer, breast cancer, and/or ovarian cancer (PMID: 11606101, 27433846, 29337092, 34717758). This variant has been identified in 6 families among the CIMBA participants (PMID: 29446198). This variant has been identified in 1/251352 chromosomes in the general population by the Genome Aggregation Database (gnomAD). Loss of BRCA2 function is a known mechanism of disease. Based on the available evidence, this variant is classified as Pathogenic.

This study involves interpretation of variants in research participants for the purpose of population health screening. Participant phenotype was not available at the time of variant classification. Additional details can be found in publication PMID: 35346344, PMCID: PMC8962531

Baylor Genetics
Classification: Pathogenic for Familial cancer of breast. Last evaluated: 2023-02-17. Review status: criteria provided, single submitter. Criteria: ACMG Guidelines, 2015. Collection method: clinical testing. Allele origin: unknown. Not counted in ClinVar's aggregate classification.

GeneDx
Classification: Pathogenic. Last evaluated: 2023-02-17. Review status: criteria provided, single submitter. Criteria: GeneDx Variant Classification Process June 2021. Collection method: clinical testing. Allele origin: germline. Affected: yes. Not counted in ClinVar's aggregate classification.
Comment: Frameshift variant predicted to result in protein truncation or nonsense mediated decay in a gene for which loss-of-function is a known mechanism of disease; Truncating variants in this gene are considered pathogenic by a well-established clinical consortium and/or database; Not observed at significant frequency in large population cohorts (gnomAD); Also known as 6985delCT; This variant is associated with the following publications: (PMID: 11606101, 27433846, 28152038, 15131399, 24094589, 30720243, 25849179, 12048272, 28888541, 30787465, 34717758, 29922827)

Revvity Omics, Revvity
Classification: Pathogenic. Last evaluated: 2022-10-10. Review status: criteria provided, single submitter. Criteria: ACMG Guidelines, 2015. Collection method: clinical testing. Allele origin: germline. Not counted in ClinVar's aggregate classification.

Department of Pathology and Laboratory Medicine, Sinai Health System
Classification: Pathogenic for BRCA2-related cancer predisposition. Last evaluated: 2022-09-29. Review status: criteria provided, single submitter. Criteria: ACMG Guidelines, 2015. Collection method: clinical testing. Allele origin: germline. Affected: no. Not counted in ClinVar's aggregate classification.